The following is an entry in ClinVar:

NM_001004334.4(GPR179):c.5403G>A (p.Val1801=)

Gene: GPR179 (G protein-coupled receptor 179; minus strand). Cytogenetic location: 17q12.
Variant type: single nucleotide variant.
Coding change: c.5403G>A on transcript NM_001004334.4 (MANE Select); coding-DNA position 5403, G replaced by A.
Protein change: p.Val1801=; no amino-acid change (valine 1801 retained).
Molecular consequence: synonymous variant.
Genome position (GRCh38, 1-based): chr17:38,328,166, C>T on the plus strand (G>A on the coding strand, the complement: GPR179 is on the minus strand). VCF-style: chr17-38328166-C-T. GRCh37 (hg19) VCF-style: chr17-36484049-C-T.
Other names: c.5403G>A (NM_001004334.3).
Identifiers: ClinVar variation 1533058 (VCV001533058.10), dbSNP rs757310361, ClinGen allele CA290103576.

ClinVar aggregate classification (germline): Likely benign. Review status: criteria provided, single submitter (1 of 4 stars). 2 submissions from 2 submitters: Likely benign (1). 1 of the submissions does not count toward it. Last evaluated 2025-09-02.

Conditions:
GPR179-related disorder. Also called: GPR179-related condition.

Allele frequency attached by ClinVar (database versions not stated): gnomAD exomes below 0.00001 and 0.00001; ExAC 0.00001; TOPMed 0.00001; gnomAD 0.00003.
gnomAD v4.1: 8 of 1,611,744 alleles (0.0005%); highest among the groups gnomAD compares: African/African-American, 0.0027%; no homozygotes.

Submissions (2):

Labcorp Genetics (formerly Invitae), Labcorp
Classification: Likely benign. Last evaluated: 2025-09-02. Review status: criteria provided, single submitter. Criteria: Invitae Variant Classification Sherloc (09022015). Collection method: clinical testing. Allele origin: germline.

PreventionGenetics, part of Exact Sciences
Classification: Likely benign for GPR179-related condition. Last evaluated: 2023-09-22. Review status: no assertion criteria provided. Collection method: clinical testing. Allele origin: germline. Not counted in ClinVar's aggregate classification.
Comment: This variant is classified as likely benign based on ACMG/AMP sequence variant interpretation guidelines (Richards et al. 2015 PMID: 25741868, with internal and published modifications).